The following is an entry in ClinVar:

NM_015338.6(ASXL1):c.1193G>A (p.Gly398Asp)

Gene: ASXL1 (ASXL transcriptional regulator 1; plus strand). Cytogenetic location: 20q11.21.
Variant type: single nucleotide variant.
Coding change: c.1193G>A on transcript NM_015338.6 (MANE Select); coding-DNA position 1193, G replaced by A.
Protein change: p.Gly398Asp; replaces glycine 398 with aspartic acid.
Molecular consequence: missense variant.
Genome position (GRCh38, 1-based): chr20:32,433,391, G>A. VCF-style: chr20-32433391-G-A. GRCh37 (hg19) VCF-style: chr20-31021194-G-A.
Other names: c.1010G>A, p.Gly337Asp (NM_001363734.1); short protein forms G398D, G337D.
Identifiers: ClinVar variation 4843678 (VCV004843678.1).

ClinVar aggregate classification (germline): Uncertain significance (1 of 4 stars; one submission).

Conditions:
Inborn genetic diseases. Identifiers: MedGen C0950123, MeSH D030342.

gnomAD v4.1: 2 of 1,614,044 alleles (0.00012%); highest among the groups gnomAD compares: African/African-American, 0.0013%; no homozygotes.

Submission:

Ambry Genetics
Classification: Uncertain significance for Inborn genetic diseases. Last evaluated: 2026-01-14. Review status: criteria provided, single submitter. Criteria: Ambry Variant Classification Scheme 2023. Collection method: clinical testing. Allele origin: germline.
Comment: The p.G398D variant (also known as c.1193G>A), located in coding exon 12 of the ASXL1 gene, results from a G to A substitution at nucleotide position 1193. The glycine at codon 398 is replaced by aspartic acid, an amino acid with similar properties. This amino acid position is conserved. In addition, this alteration is predicted to be tolerated by in silico analysis. Based on the available evidence, the clinical significance of this variant remains unclear.